The following is an entry in ClinVar:

ClinVar aggregate classification (germline): Uncertain significance (1 of 4 stars; one submission).

Submission:

Ambry Genetics
Classification: Uncertain significance. Last evaluated: 2024-02-23. Review status: criteria provided, single submitter. Criteria: Ambry Variant Classification Scheme 2023. Collection method: clinical testing. Allele origin: germline.
Comment: The p.E1629D variant (also known as c.4887A>T), located in coding exon 4 of the ALPK2 gene, results from an A to T substitution at nucleotide position 4887. The glutamic acid at codon 1629 is replaced by aspartic acid, an amino acid with highly similar properties. This amino acid position is conserved. In addition, this alteration is predicted to be tolerated by in silico analysis. Based on the available evidence, the clinical significance of this alteration remains unclear.

NM_052947.4(ALPK2):c.4887A>T (p.Glu1629Asp)

Genes: ALPK2 (alpha kinase 2; minus strand), LOC130062578 (ATAC-STARR-seq lymphoblastoid active region 13390; plus strand). Cytogenetic location: 18q21.31.
Variant type: single nucleotide variant.
Coding change: c.4887A>T on transcript NM_052947.4 (MANE Select); coding-DNA position 4887, A replaced by T.
Protein change: p.Glu1629Asp; replaces glutamic acid 1629 with aspartic acid.
Molecular consequence: missense variant.
Genome position (GRCh38, 1-based): chr18:58,535,300, T>A on the plus strand (A>T on the coding strand, the complement: ALPK2 is on the minus strand). VCF-style: chr18-58535300-T-A. GRCh37 (hg19) VCF-style: chr18-56202532-T-A.
Other names: short protein forms E1629D.
Identifiers: ClinVar variation 3228775 (VCV003228775.1), dbSNP rs2518873892, ClinGen allele CA402559366.